The following is an entry in ClinVar:

NM_003062.4(SLIT3):c.1990C>A (p.Pro664Thr)

Gene: SLIT3 (slit guidance ligand 3; minus strand). Cytogenetic location: 5q34.
Variant type: single nucleotide variant.
Coding change: c.1990C>A on transcript NM_003062.4 (MANE Select); coding-DNA position 1990, C replaced by A.
Protein change: p.Pro664Thr; replaces proline 664 with threonine.
Molecular consequence: missense variant.
Genome position (GRCh38, 1-based): chr5:168,749,619, G>T on the plus strand (C>A on the coding strand, the complement: SLIT3 is on the minus strand). VCF-style: chr5-168749619-G-T. GRCh37 (hg19) VCF-style: chr5-168176624-G-T.
Other names: c.1990C>A, p.Pro664Thr (NM_001271946.2); short protein forms P664T.
Identifiers: ClinVar variation 2656056 (VCV002656056.24), dbSNP rs2546504174, ClinGen allele CA362088498.

ClinVar aggregate classification (germline): Uncertain significance (1 of 4 stars; one submission).

Allele frequency attached by ClinVar (database versions not stated): gnomAD exomes below 0.00001.
gnomAD v4.1: 1 of 1,614,160 alleles (0.000062%); highest among the groups gnomAD compares: Non-Finnish European, 0.000085%; no homozygotes.

Submission:

CeGaT Center for Human Genetics Tuebingen
Classification: Uncertain significance. Last evaluated: 2023-02-01. Review status: criteria provided, single submitter. Criteria: CeGaT Center For Human Genetics Tuebingen Variant Classification Criteria Version 2. Collection method: clinical testing. Allele origin: germline. Affected: yes. Observed: 1 variant allele.
Comment: SLIT3: PM2